The following is an entry in ClinVar:

ClinVar aggregate classification (germline): Benign/Likely benign. Review status: criteria provided, multiple submitters, no conflicts (2 of 4 stars). 9 submissions from 9 submitters: Benign (2); Likely benign (4). 3 of the submissions do not count toward it. Last evaluated 2025-11-18.

Conditions:
Alagille syndrome due to a JAG1 point mutation. Also called: JAG1-Related Alagille Syndrome; HEPATIC DUCTULAR HYPOPLASIA, SYNDROMATIC; Alagille Syndrome 1. Identifiers: Orphanet 261619, Orphanet 52, MedGen C1956125, MONDO:0016862, OMIM 118450.
Charcot-Marie-Tooth disease, axonal, Type 2HH. Also called: CHARCOT-MARIE-TOOTH NEUROPATHY, TYPE 2HH. Identifiers: MedGen C5562003, MONDO:0030458, OMIM 619574.
Tetralogy of Fallot (TOF). Identifiers: Orphanet 3303, MedGen C0039685, MONDO:0008542, OMIM 187500, HP:0001636.
Deafness, congenital heart defects, and posterior embryotoxon (DCHE). Identifiers: MedGen C1866053, MONDO:0060713, OMIM 617992.
Cardiovascular phenotype. Identifiers: MedGen CN230736.

Allele frequency attached by ClinVar (database versions not stated): TOPMed 0.00013; ExAC 0.00025; gnomAD 0.00026 and 0.00027; 1000 Genomes Project 30x 0.00031; 1000 Genomes Project 0.00040.
gnomAD v4.1: 293 of 1,613,946 alleles (0.018%); highest among the groups gnomAD compares: South Asian, 0.033%; 1 homozygote.

Submissions (9):

Labcorp Genetics (formerly Invitae), Labcorp
Classification: Benign for Alagille syndrome due to a JAG1 point mutation. Last evaluated: 2025-11-18. Review status: criteria provided, single submitter. Criteria: Invitae Variant Classification Sherloc (09022015). Collection method: clinical testing. Allele origin: germline.

Blueprint Genetics
Classification: Likely benign. Last evaluated: 2024-06-07. Review status: criteria provided, single submitter. Criteria: ACMG Guidelines, 2015. Collection method: clinical testing. Allele origin: germline.

CeGaT Center for Human Genetics Tuebingen
Classification: Likely benign. Last evaluated: 2022-11-01. Review status: criteria provided, single submitter. Criteria: CeGaT Center For Human Genetics Tuebingen Variant Classification Criteria Version 2. Collection method: clinical testing. Allele origin: germline. Affected: yes. Observed: 1 variant allele.
Comment: JAG1: BP4, BP7

Ambry Genetics
Classification: Likely benign for Cardiovascular phenotype. Last evaluated: 2022-04-06. Review status: criteria provided, single submitter. Criteria: Ambry Variant Classification Scheme 2023. Collection method: clinical testing. Allele origin: germline.

Fulgent Genetics
Classification: Likely benign for Alagille syndrome due to a JAG1 point mutation; Tetralogy of Fallot; Deafness, congenital heart defects, and posterior embryotoxon; Charcot-Marie-Tooth disease, axonal, Type 2HH. Last evaluated: 2021-09-07. Review status: criteria provided, single submitter. Criteria: ACMG Guidelines, 2015. Collection method: clinical testing. Allele origin: unknown.

GeneDx
Classification: Benign. Last evaluated: 2015-03-03. Review status: criteria provided, single submitter. Criteria: GeneDx Variant Classification Process June 2021. Collection method: clinical testing. Allele origin: germline. Affected: yes.

Genetic Services Laboratory, University of Chicago
Classification: Likely benign. Last evaluated: 2022-11-23. Review status: no assertion criteria provided. Collection method: clinical testing. Allele origin: germline. Affected: no. Not counted in ClinVar's aggregate classification.

Clinical Genetics, Academic Medical Center
Classification: Benign. Review status: no assertion criteria provided. Collection method: clinical testing. Allele origin: germline. Affected: yes. Study: VKGL Data-share Consensus. Not counted in ClinVar's aggregate classification.

Genome Diagnostics Laboratory, University Medical Center Utrecht
Classification: Likely benign. Review status: no assertion criteria provided. Collection method: clinical testing. Allele origin: germline. Affected: yes. Study: VKGL Data-share Consensus. Not counted in ClinVar's aggregate classification.

NM_000214.3(JAG1):c.414G>A (p.Ala138=)

Gene: JAG1 (jagged canonical Notch ligand 1; minus strand). Cytogenetic location: 20p12.2.
Variant type: single nucleotide variant.
Coding change: c.414G>A on transcript NM_000214.3 (MANE Select); coding-DNA position 414, G replaced by A.
Protein change: p.Ala138=; no amino-acid change (alanine 138 retained).
Molecular consequence: synonymous variant.
Genome position (GRCh38, 1-based): chr20:10,663,988, C>T on the plus strand (G>A on the coding strand, the complement: JAG1 is on the minus strand). VCF-style: chr20-10663988-C-T. GRCh37 (hg19) VCF-style: chr20-10644636-C-T.
Identifiers: ClinVar variation 1169860 (VCV001169860.41), dbSNP rs371682149, ClinGen allele CA9765141.